The following is an entry in ClinVar:

ClinVar aggregate classification (germline): Uncertain significance (1 of 4 stars; one submission).

Allele frequency attached by ClinVar (database versions not stated): TOPMed 0.00003; gnomAD 0.00005; 1000 Genomes Project 0.00020; 1000 Genomes Project 30x 0.00031.
gnomAD v4.1: 14 of 1,300,092 alleles (0.0011%); highest among the groups gnomAD compares: East Asian, 0.0062%; no homozygotes.

Submission:

Labcorp Genetics (formerly Invitae), Labcorp
Classification: Uncertain significance. Last evaluated: 2022-05-20. Review status: criteria provided, single submitter. Criteria: Invitae Variant Classification Sherloc (09022015). Collection method: clinical testing. Allele origin: germline.
Comment: In summary, the available evidence is currently insufficient to determine the role of this variant in disease. Therefore, it has been classified as a Variant of Uncertain Significance. Algorithms developed to predict the effect of sequence changes on RNA splicing suggest that this variant is not likely to affect RNA splicing. This variant has not been reported in the literature in individuals affected with ZNF341-related conditions. This variant is present in population databases (rs201085406, gnomAD 0.007%). This sequence change affects codon 10 of the ZNF341 mRNA. It is a 'silent' change, meaning that it does not change the encoded amino acid sequence of the ZNF341 protein. It affects a nucleotide within the consensus splice site.

NM_001282933.2(ZNF341):c.30G>A (p.Glu10=)

Genes: ZNF341 (zinc finger protein 341; plus strand), LOC130065694 (ATAC-STARR-seq lymphoblastoid silent region 12821; plus strand). Cytogenetic location: 20q11.22.
Variant type: single nucleotide variant.
Coding change: c.30G>A on transcript NM_001282933.2 (MANE Select); coding-DNA position 30, G replaced by A.
Protein change: p.Glu10=; no amino-acid change (glutamic acid 10 retained).
Molecular consequence: synonymous variant. On other transcripts: 5 prime UTR variant (1), non-coding transcript variant (1).
Genome position (GRCh38, 1-based): chr20:33,732,051, G>A. VCF-style: chr20-33732051-G-A. GRCh37 (hg19) VCF-style: chr20-32319857-G-A.
Other names: c.-44G>A (NM_001282935.2); c.30G>A, p.Glu10= (NM_032819.5).
Identifiers: ClinVar variation 2416205 (VCV002416205.8), dbSNP rs201085406, ClinGen allele CA313314534.